The following is an entry in ClinVar:

ClinVar aggregate classification (germline): Uncertain significance (1 of 4 stars; one submission).

Allele frequency attached by ClinVar (database versions not stated): gnomAD exomes below 0.00001.
gnomAD v4.1: 1 of 1,612,504 alleles (0.000062%); highest among the groups gnomAD compares: African/African-American, 0.0013%; no homozygotes.

Submission:

GeneDx
Classification: Uncertain significance. Last evaluated: 2025-06-17. Review status: criteria provided, single submitter. Criteria: GeneDx Variant Classification Process June 2021. Collection method: clinical testing. Allele origin: germline. Affected: yes.
Comment: Not observed at significant frequency in large population cohorts (gnomAD); In silico analysis supports that this missense variant has a deleterious effect on protein structure/function; Has not been previously published as pathogenic or benign to our knowledge

NM_003737.4(DCHS1):c.7524T>A (p.Asp2508Glu)

Gene: DCHS1 (dachsous cadherin-related 1; minus strand). Cytogenetic location: 11p15.4.
Variant type: single nucleotide variant.
Coding change: c.7524T>A on transcript NM_003737.4 (MANE Select); coding-DNA position 7524, T replaced by A.
Protein change: p.Asp2508Glu; replaces aspartic acid 2508 with glutamic acid.
Molecular consequence: missense variant.
Genome position (GRCh38, 1-based): chr11:6,624,152, A>T on the plus strand (T>A on the coding strand, the complement: DCHS1 is on the minus strand). VCF-style: chr11-6624152-A-T. GRCh37 (hg19) VCF-style: chr11-6645383-A-T.
Other names: short protein forms D2508E.
Identifiers: ClinVar variation 2442589 (VCV002442589.2), dbSNP rs1027601566, ClinGen allele CA217329953.
Genomic context (GRCh38, chr11:6,624,152, plus strand): 5'-GCCCCAGTTGCCACTGATGATGCTGTAGTCCACAGCGGCATGGCTGCGGCTTCCATCAGC[A>T]TCTGTAGCCTCCAGGGTGAGCAGAGTGGAGCCAGGGGGCAGGTCTTCAGTCACAGCCACA-3'
Protein context (NP_003728.1, residues 2498-2518): GSTLLTLEAT[Asp2508Glu]ADGSRSHAAV